The following is an entry in ClinVar:

ClinVar aggregate classification (germline): Uncertain significance (1 of 4 stars; one submission).

Conditions:
Cardiac arrhythmia. Also called: Arrhythmia; Cardiac rhythm disease. Identifiers: MedGen C0003811, MONDO:0007263, HP:0011675.

Submission:

Color Diagnostics, LLC DBA Color Health
Classification: Uncertain significance for Cardiac arrhythmia. Last evaluated: 2024-03-06. Review status: criteria provided, single submitter. Criteria: ACMG Guidelines, 2015. Collection method: clinical testing. Allele origin: germline.
Comment: This missense variant replaces serine with alanine at codon 735 of the KCNH2 protein. Computational prediction is inconclusive regarding the impact of this variant on protein structure and function (internally defined REVEL score threshold 0.5 < inconclusive < 0.7, PMID: 27666373). To our knowledge, functional studies have not been reported for this variant. This variant has not been reported in individuals affected with cardiovascular disorders in the literature. This variant has not been identified in the general population by the Genome Aggregation Database (gnomAD). The available evidence is insufficient to determine the role of this variant in disease conclusively. Therefore, this variant is classified as a Variant of Uncertain Significance.

NM_000238.4(KCNH2):c.2203T>G (p.Ser735Ala)

Gene: KCNH2 (potassium voltage-gated channel subfamily H member 2; minus strand). Cytogenetic location: 7q36.1.
Variant type: single nucleotide variant.
Coding change: c.2203T>G on transcript NM_000238.4 (MANE Select); coding-DNA position 2203, T replaced by G.
Protein change: p.Ser735Ala; replaces serine 735 with alanine.
Molecular consequence: missense variant.
Genome position (GRCh38, 1-based): chr7:150,950,363, A>C on the plus strand (T>G on the coding strand, the complement: KCNH2 is on the minus strand). VCF-style: chr7-150950363-A-C. GRCh37 (hg19) VCF-style: chr7-150647451-A-C.
Other names: c.1183T>G, p.Ser395Ala (NM_001204798.2, NM_172057.3); c.1915T>G, p.Ser639Ala (NM_001406753.1, NM_001406756.1); c.2026T>G, p.Ser676Ala (NM_001406755.1); c.1903T>G, p.Ser635Ala (NM_001406757.1); c.2203T>G, p.Ser735Ala (NM_172056.3); short protein forms S395A, S735A, S639A, S635A, S676A.
Identifiers: ClinVar variation 1332619 (VCV001332619.6), dbSNP rs2116950545, ClinGen allele CA369856580.